The following is an entry in ClinVar:

NM_000264.5(PTCH1):c.737C>T (p.Ala246Val)

Gene: PTCH1 (patched 1; minus strand). Cytogenetic location: 9q22.32.
Variant type: single nucleotide variant.
Coding change: c.737C>T on transcript NM_000264.5 (MANE Select); coding-DNA position 737, C replaced by T.
Protein change: p.Ala246Val; replaces alanine 246 with valine.
Molecular consequence: missense variant. On other transcripts: non-coding transcript variant (1).
Genome position (GRCh38, 1-based): chr9:95,481,958, G>A on the plus strand (C>T on the coding strand, the complement: PTCH1 is on the minus strand). VCF-style: chr9-95481958-G-A. GRCh37 (hg19) VCF-style: chr9-98244240-G-A.
Other names: c.539C>T, p.Ala180Val (NM_001083602.3, NM_001354919.2); c.734C>T, p.Ala245Val (NM_001083603.3); c.284C>T, p.Ala95Val (NM_001083604.3, NM_001083605.3, NM_001083606.3 and 1 more transcripts); c.737C>T, p.Ala246Val (NM_001354918.2); short protein forms A95V, A180V, A245V, A246V.
Identifiers: ClinVar variation 1758604 (VCV001758604.2), dbSNP rs2118459627, ClinGen allele CA374114810.
Genomic context (GRCh38, chr9:95,481,958, plus strand): 5'-ACTGAGTCCTAGAGAAGTCACAGACATCAGAAAGCATGATCACACACTTACAGGAGGTAT[G>A]CTGTCCCAGACTGTAATTTCGCCCCTTCCCAGAAGCAGTCCAAAGGTGTAATAATCAAAC-3'
Protein context (NP_000255.2, residues 236-256): WEGAKLQSGT[Ala246Val]YLLGKPPLRW

ClinVar aggregate classification (germline): Uncertain significance (1 of 4 stars; one submission).

Conditions:
Hereditary cancer-predisposing syndrome. Also called: Neoplastic Syndromes, Hereditary; Tumor predisposition; Hereditary Cancer Syndrome; Hereditary neoplastic syndrome. Identifiers: Orphanet 140162, MedGen C0027672, MeSH D009386, MONDO:0015356.

Allele frequency attached by ClinVar (database versions not stated): gnomAD exomes below 0.00001.
gnomAD v4.1: 1 of 1,610,236 alleles (0.000062%); highest among the groups gnomAD compares: African/African-American, 0.0013%; no homozygotes.

Submission:

Ambry Genetics
Classification: Uncertain significance for Hereditary cancer-predisposing syndrome. Last evaluated: 2022-08-22. Review status: criteria provided, single submitter. Criteria: Ambry Variant Classification Scheme 2023. Collection method: clinical testing. Allele origin: germline.
Comment: The p.A246V variant (also known as c.737C>T), located in coding exon 5 of the PTCH1 gene, results from a C to T substitution at nucleotide position 737. The alanine at codon 246 is replaced by valine, an amino acid with similar properties. This amino acid position is conserved. In addition, this alteration is predicted to be tolerated by in silico analysis. Since supporting evidence is limited at this time, the clinical significance of this alteration remains unclear.